The following is an entry in ClinVar:

NM_001374828.1(ARID1B):c.3061C>T (p.Gln1021Ter)

Gene: ARID1B (AT-rich interaction domain 1B; plus strand). Cytogenetic location: 6q25.3.
Variant type: single nucleotide variant.
Coding change: c.3061C>T on transcript NM_001374828.1 (MANE Select); coding-DNA position 3061, C replaced by T.
Protein change: p.Gln1021Ter; replaces glutamine 1021 with a stop codon.
Molecular consequence: nonsense.
Genome position (GRCh38, 1-based): chr6:157,148,923, C>T. VCF-style: chr6-157148923-C-T. GRCh37 (hg19) VCF-style: chr6-157470057-C-T.
Other names: c.2812C>T, p.Gln938Ter (NM_001346813.1); c.562C>T, p.Gln188Ter (NM_001363725.2); c.3100C>T, p.Gln1034Ter (NM_001371656.1, NM_001374820.1); c.3061C>T, p.Gln1021Ter (NM_017519.3); c.2851C>T, p.Gln951Ter (NM_020732.3); c.2638C>T, p.Gln880Ter (NM_175863.2); short protein forms Q1021*, Q1034*, Q188*, Q880*, Q938*, Q951*.
Identifiers: ClinVar variation 2663855 (VCV002663855.3), dbSNP rs1554226145, ClinGen allele CA366389253.

ClinVar aggregate classification (germline): Pathogenic/Likely pathogenic. Review status: criteria provided, multiple submitters, no conflicts (2 of 4 stars). 3 submissions from 3 submitters: Pathogenic (2); Likely pathogenic (1). Last evaluated 2024-02-27.

Conditions:
Coffin-Siris syndrome 1 (CSS1). Also called: Mental retardation, autosomal dominant 12; ARID1B-Related Coffin-Siris Syndrome. Identifiers: Orphanet 1465, MedGen C3281201, MONDO:0007617, OMIM 135900. Disease mechanism: gain of function.

Submissions (3):

GeneDx
Classification: Pathogenic. Last evaluated: 2024-02-27. Review status: criteria provided, single submitter. Criteria: GeneDx Variant Classification Process June 2021. Collection method: clinical testing. Allele origin: germline. Affected: yes.
Comment: Nonsense variant predicted to result in protein truncation or nonsense mediated decay in a gene for which loss of function is a known mechanism of disease; Not observed at significant frequency in large population cohorts (gnomAD)

Institute of Human Genetics, University Hospital of Duesseldorf
Classification: Pathogenic for Coffin-Siris syndrome 1. Review status: criteria provided, single submitter. Criteria: ACMG Guidelines, 2015. Collection method: not provided. Allele origin: germline. Inheritance: Autosomal dominant inheritance. Affected: yes.

Neuberg Centre For Genomic Medicine, NCGM
Classification: Likely pathogenic for Coffin-Siris syndrome 1. Review status: criteria provided, single submitter. Criteria: ACMG Guidelines, 2015. Collection method: clinical testing. Allele origin: germline. Inheritance: Autosomal dominant inheritance. Affected: yes.
Comment: The stop gained variant c.3061C>T (p.Gln1021Ter) in the ARID1B gene has not been reported previously as a pathogenic variant nor as a benign variant, to our knowledge. The variant is absent in gnomAD Exomes. This variant is predicted to cause loss of normal protein function through protein truncation. Loss of function variants has been previously reported to be disease causing (Tsurusaki et al., 2012). For these reasons, this variant has been classified as Likely Pathogenic.